The following is an entry in ClinVar:

ClinVar aggregate classification (germline): Likely benign (0 of 4 stars; one submission).

Conditions:
KDM6B-related disorder. Also called: KDM6B-related condition.

Allele frequency attached by ClinVar (database versions not stated): TOPMed 0.00014; 1000 Genomes Project 30x 0.00016; 1000 Genomes Project 0.00020; ESP Exome Variant Server 0.00024; gnomAD 0.00010; ExAC 0.00012.
gnomAD v4.1: 135 of 1,608,962 alleles (0.0084%); highest among the groups gnomAD compares: South Asian, 0.028%; 1 homozygote.

Submission:

PreventionGenetics, part of Exact Sciences
Classification: Likely benign for KDM6B-related condition. Last evaluated: 2022-10-22. Review status: no assertion criteria provided. Collection method: clinical testing. Allele origin: germline.
Comment: This variant is classified as likely benign based on ACMG/AMP sequence variant interpretation guidelines (Richards et al. 2015 PMID: 25741868, with internal and published modifications).

NM_001348716.2(KDM6B):c.2889C>T (p.Gly963=)

Gene: KDM6B (lysine demethylase 6B; plus strand). Cytogenetic location: 17p13.1.
Variant type: single nucleotide variant.
Coding change: c.2889C>T on transcript NM_001348716.2 (MANE Select); coding-DNA position 2889, C replaced by T.
Protein change: p.Gly963=; no amino-acid change (glycine 963 retained).
Molecular consequence: synonymous variant.
Genome position (GRCh38, 1-based): chr17:7,849,177, C>T. VCF-style: chr17-7849177-C-T. GRCh37 (hg19) VCF-style: chr17-7752495-C-T.
Other names: c.2889C>T, p.Gly963= (NM_001080424.2).
Identifiers: ClinVar variation 3043453 (VCV003043453.2), dbSNP rs375393838, ClinGen allele CA8361029.